The following is an entry in ClinVar:

ClinVar aggregate classification (germline): Uncertain significance. Review status: criteria provided, multiple submitters, no conflicts (2 of 4 stars). 2 submissions from 2 submitters: Uncertain significance (2). Last evaluated 2024-08-27.

Conditions:
Inborn genetic diseases. Identifiers: MedGen C0950123, MeSH D030342.

Submissions (2):

Ambry Genetics
Classification: Uncertain significance for Inborn genetic diseases. Last evaluated: 2024-08-27. Review status: criteria provided, single submitter. Criteria: Ambry Variant Classification Scheme 2023. Collection method: clinical testing. Allele origin: germline.

CeGaT Center for Human Genetics Tuebingen
Classification: Uncertain significance. Last evaluated: 2022-07-01. Review status: criteria provided, single submitter. Criteria: CeGaT Center For Human Genetics Tuebingen Variant Classification Criteria Version 2. Collection method: clinical testing. Allele origin: germline. Affected: yes. Observed: 1 variant allele.
Comment: POU3F4: PM2

NM_000307.5(POU3F4):c.370A>G (p.Ile124Val)

Gene: POU3F4 (POU class 3 homeobox 4; plus strand). Cytogenetic location: Xq21.1.
Variant type: single nucleotide variant.
Coding change: c.370A>G on transcript NM_000307.5 (MANE Select); coding-DNA position 370, A replaced by G.
Protein change: p.Ile124Val; replaces isoleucine 124 with valine.
Molecular consequence: missense variant.
Genome position (GRCh38, 1-based): chrX:83,508,694, A>G. VCF-style: chrX-83508694-A-G. GRCh37 (hg19) VCF-style: chrX-82763702-A-G.
Other names: c.370A>G (NM_000307.3); short protein forms I124V.
Identifiers: ClinVar variation 2660989 (VCV002660989.25), dbSNP rs2520215978, ClinGen allele CA413751389.